The following is an entry in ClinVar:

NM_000188.3(HK1):c.2097C>G (p.Asp699Glu)

Gene: HK1 (hexokinase 1; plus strand). Cytogenetic location: 10q22.1.
Variant type: single nucleotide variant.
Coding change: c.2097C>G on transcript NM_000188.3 (MANE Select); coding-DNA position 2097, C replaced by G.
Protein change: p.Asp699Glu; replaces aspartic acid 699 with glutamic acid.
Molecular consequence: missense variant.
Genome position (GRCh38, 1-based): chr10:69,392,186, C>G. VCF-style: chr10-69392186-C-G. GRCh37 (hg19) VCF-style: chr10-71151942-C-G.
Other names: c.2001C>G, p.Asp667Glu (NM_001322367.1); c.2109C>G, p.Asp703Glu (NM_001358263.1, NM_033497.3, NM_033498.3 and 1 more transcripts); c.2094C>G, p.Asp698Glu (NM_033496.3); c.2061C>G, p.Asp687Glu (NM_033500.2); c.2202C>G, p.Asp734Glu (NM_001322365.2); c.2013C>G, p.Asp671Glu (NM_001322366.1); short protein forms D667E, D671E, D699E, D734E, D687E, D698E, D703E.
Identifiers: ClinVar variation 2711772 (VCV002711772.3), dbSNP rs2540460089, ClinGen allele CA376914662.
Genomic context (GRCh38, chr10:69,392,186, plus strand): 5'-GACCGGCAGCAATGCCTGCTACATGGAGGAGATGAAGAACGTGGAGATGGTGGAGGGGGA[C>G]CAGGGGCAGATGTGCATCAACATGGAGTGGGGGGCCTTTGGGGACAACGGGTGTCTGGAT-3'
Protein context (NP_000179.2, residues 689-709): EMKNVEMVEG[Asp699Glu]QGQMCINMEW

ClinVar aggregate classification (germline): Uncertain significance (1 of 4 stars; one submission).

Allele frequency attached by ClinVar (database versions not stated): gnomAD exomes below 0.00001.
gnomAD v4.1: 6 of 1,614,080 alleles (0.00037%); highest among the groups gnomAD compares: Non-Finnish European, 0.00051%; no homozygotes.

Submission:

Labcorp Genetics (formerly Invitae), Labcorp
Classification: Uncertain significance. Last evaluated: 2025-10-07. Review status: criteria provided, single submitter. Criteria: Invitae Variant Classification Sherloc (09022015). Collection method: clinical testing. Allele origin: germline.
Comment: This sequence change replaces aspartic acid, which is acidic and polar, with glutamic acid, which is acidic and polar, at codon 699 of the HK1 protein (p.Asp699Glu). This variant is not present in population databases (gnomAD no frequency). This missense change has been observed in individual(s) with clinical features of autosomal dominant HK1-related conditions (internal data). ClinVar contains an entry for this variant (Variation ID: 2711772). Invitae Evidence Modeling of protein sequence and biophysical properties (such as structural, functional, and spatial information, amino acid conservation, physicochemical variation, residue mobility, and thermodynamic stability) indicates that this missense variant is not expected to disrupt HK1 protein function with a negative predictive value of 80%. In summary, the available evidence is currently insufficient to determine the role of this variant in disease. Therefore, it has been classified as a Variant of Uncertain Significance.